The following is an entry in ClinVar:

NM_004364.5(CEBPA):c.812C>T (p.Ala271Val)

Gene: CEBPA (CCAAT enhancer binding protein alpha; minus strand). Cytogenetic location: 19q13.11.
Variant type: single nucleotide variant.
Coding change: c.812C>T on transcript NM_004364.5 (MANE Select); coding-DNA position 812, C replaced by T.
Protein change: p.Ala271Val; replaces alanine 271 with valine.
Molecular consequence: missense variant.
Genome position (GRCh38, 1-based): chr19:33,301,603, G>A on the plus strand (C>T on the coding strand, the complement: CEBPA is on the minus strand). VCF-style: chr19-33301603-G-A. GRCh37 (hg19) VCF-style: chr19-33792509-G-A.
Other names: c.455C>T, p.Ala152Val (NM_001285829.2); c.917C>T, p.Ala306Val (NM_001287424.2); c.770C>T, p.Ala257Val (NM_001287435.2); short protein forms A152V, A257V, A271V, A306V.
Identifiers: ClinVar variation 1722056 (VCV001722056.6), dbSNP rs1403352822, ClinGen allele CA405274162.

ClinVar aggregate classification (germline): Uncertain significance (1 of 4 stars; one submission).

Conditions:
Acute myeloid leukemia (AML). Also called: Leukemia, acute myeloid, somatic; Leukemia, acute myelogenous, somatic; Acute myeloid leukemia, adult; AML adult; Acute non-lymphocytic leukemia; Acute granulocytic leukemia. Identifiers: Orphanet 519, MedGen C0023467, MeSH D015470, MONDO:0018874, OMIM 601626, HP:0004808. Disease mechanism: Constitutively activated FLT3.

Allele frequency attached by ClinVar (database versions not stated): gnomAD exomes below 0.00001.
gnomAD v4.1: 1 of 1,597,588 alleles (0.000063%); highest among the groups gnomAD compares: South Asian, 0.0011%; no homozygotes.

Submission:

Labcorp Genetics (formerly Invitae), Labcorp
Classification: Uncertain significance for Acute myeloid leukemia. Last evaluated: 2022-10-22. Review status: criteria provided, single submitter. Criteria: Invitae Variant Classification Sherloc (09022015). Collection method: clinical testing. Allele origin: germline.
Comment: In summary, the available evidence is currently insufficient to determine the role of this variant in disease. Therefore, it has been classified as a Variant of Uncertain Significance. Advanced modeling of protein sequence and biophysical properties (such as structural, functional, and spatial information, amino acid conservation, physicochemical variation, residue mobility, and thermodynamic stability) performed at Invitae indicates that this missense variant is not expected to disrupt CEBPA protein function. This variant has not been reported in the literature in individuals affected with CEBPA-related conditions. The frequency data for this variant in the population databases is considered unreliable, as metrics indicate poor data quality at this position in the gnomAD database. This sequence change replaces alanine, which is neutral and non-polar, with valine, which is neutral and non-polar, at codon 271 of the CEBPA protein (p.Ala271Val).